The following is an entry in ClinVar:

ClinVar aggregate classification (germline): Uncertain significance (1 of 4 stars; one submission).

Submission:

CeGaT Center for Human Genetics Tuebingen
Classification: Uncertain significance. Last evaluated: 2024-05-01. Review status: criteria provided, single submitter. Criteria: CeGaT Center For Human Genetics Tuebingen Variant Classification Criteria Version 2. Collection method: clinical testing. Allele origin: germline. Affected: yes. Observed: 2 variant alleles.
Comment: BPTF: PM4, PM2:Supporting

NM_182641.4(BPTF):c.3846_3851dup (p.Ser1283_Glu1284insAspSer)

Gene: BPTF (bromodomain PHD finger transcription factor; plus strand). Cytogenetic location: 17q24.2.
Variant type: Duplication.
Coding change: c.3846_3851dup on transcript NM_182641.4 (MANE Select); coding-DNA positions 3846 to 3851, 6 bases duplicated (CTCTGA; older notation c.3846_3851dupCTCTGA).
Protein change: p.Ser1283_Glu1284insAspSer.
Molecular consequence: inframe insertion.
Genome position (GRCh38, 1-based): chr17:67,911,730-67,911,735, CTCTGA duplicated; duplicating any 6 consecutive bases within chr17:67,911,727-67,911,735 gives the same sequence; the c. name uses the placement nearest the transcript's 3' end. VCF-style (leftmost placement, unchanged base first): chr17-67911726-G-GTGACTC. GRCh37 (hg19) VCF-style: chr17-65907842-G-GTGACTC.
Other names: c.4224_4229dup, p.Ser1409_Glu1410insAspSer (NM_004459.7).
Identifiers: ClinVar variation 2672709 (VCV002672709.23), dbSNP rs1343189951, ClinGen allele CA627312925.
Genomic context (GRCh38, chr17:67,911,726, plus strand): 5'-CCAATGACAGAGATGCCACACCTCTGTCAAGAGCAATGGACTTTGAAGGAAAACTGGGAT[G>GTGACTC]TGACTCTGAATCTAATAGCACTTTGGAAAATAGTTCTGATACCGTGTCTATTCAGGATAG-3'